The following is an entry in ClinVar:

NM_001106.4(ACVR2B):c.*4617C>G

Gene: ACVR2B (activin A receptor type 2B; plus strand). Cytogenetic location: 3p22.2.
Variant type: single nucleotide variant.
Coding change: c.*4617C>G on transcript NM_001106.4 (MANE Select); 4617 bases downstream of the stop codon, C replaced by G.
Molecular consequence: 3 prime UTR variant.
Genome position (GRCh38, 1-based): chr3:38,487,949, C>G. VCF-style: chr3-38487949-C-G. GRCh37 (hg19) VCF-style: chr3-38529440-C-G.
Identifiers: ClinVar variation 344991 (VCV000344991.6), dbSNP rs6599205, ClinGen allele CA10618290.

ClinVar aggregate classification (germline): Benign. Review status: criteria provided, multiple submitters, no conflicts (2 of 4 stars). 2 submissions from 2 submitters: Benign (2). Last evaluated 2018-01-12.

Conditions:
Heterotaxy, visceral, 4, autosomal (HTX4). Identifiers: Orphanet 450, MedGen C3151057, MONDO:0013403, OMIM 613751.

Allele frequency attached by ClinVar (database versions not stated): gnomAD 0.60080 and 0.60258; TOPMed 0.60289; 1000 Genomes Project 30x 0.60993; 1000 Genomes Project 0.61082.
gnomAD v4.1: 91,448 of 151,964 alleles (60%); highest among the groups gnomAD compares: East Asian, 62%; 27,632 homozygotes.

Submissions (2):

Illumina Laboratory Services, Illumina
Classification: Benign for Heterotaxy, visceral, 4, autosomal. Last evaluated: 2018-01-12. Review status: criteria provided, single submitter. Criteria: ICSL Variant Classification Criteria 13 December 2019. Collection method: clinical testing. Allele origin: germline.
Comment: This variant was observed in the ICSL laboratory as part of a predisposition screen in an ostensibly healthy population. It had not been previously curated by ICSL or reported in the Human Gene Mutation Database (HGMD: prior to June 1st, 2018), and was therefore a candidate for classification through an automated scoring system. Utilizing variant allele frequency, disease prevalence and penetrance estimates, and inheritance mode, an automated score was calculated to assess if this variant is too frequent to cause the disease. Based on the score and internal cut-off values, a variant classified as benign is not then subjected to further curation. The score for this variant resulted in a classification of benign for this disease.

Breakthrough Genomics
Classification: Benign. Review status: criteria provided, single submitter. Criteria: ACMG Guidelines, 2015. Collection method: not provided. Allele origin: germline. Inheritance: Unknown mechanism. Affected: yes.